The following is an entry in ClinVar:

NM_003742.4(ABCB11):c.2594C>A (p.Ala865Asp)

Gene: ABCB11 (ATP binding cassette subfamily B member 11; minus strand). Cytogenetic location: 2q31.1.
Variant type: single nucleotide variant.
Coding change: c.2594C>A on transcript NM_003742.4 (MANE Select); coding-DNA position 2594, C replaced by A.
Protein change: p.Ala865Asp; replaces alanine 865 with aspartic acid.
Molecular consequence: missense variant.
Genome position (GRCh38, 1-based): chr2:168,944,621, G>T on the plus strand (C>A on the coding strand, the complement: ABCB11 is on the minus strand). VCF-style: chr2-168944621-G-T. GRCh37 (hg19) VCF-style: chr2-169801131-G-T.
Other names: short protein forms A865D.
Identifiers: ClinVar variation 4845952 (VCV004845952.1).
Genomic context (GRCh38, chr2:168,944,621, plus strand): 5'-GCCAATGCAGTTAATATACTTCTATTTCCCCTCCCATAGCTCACCCCTTGAACTTGGGAA[G>T]CATCTGTAGCAAGTCTTGTTGTCAATGCTCCAGGGCTATTTCTGAGGTCATCAAACCAGG-3'
Protein context (NP_003733.2, residues 855-875): GALTTRLATD[Ala865Asp]SQVQGAAGSQ

ClinVar aggregate classification (germline): Uncertain significance (1 of 4 stars; one submission).

Conditions:
Familial intrahepatic cholestasis. Identifiers: Orphanet 284385, MedGen CN296401, MONDO:0017290.

Submission:

Genomenon, Inc
Classification: Uncertain significance for Familial intrahepatic cholestasis. Last evaluated: 2026-04-14. Review status: criteria provided, single submitter. Criteria: Genomenon Sequence Variant Interpretation Standards - Updated. Collection method: curation. Allele origin: germline. Affected: no.
Comment: ABCB11 p.Ala865Asp (c.2594C>A) is a missense variant that changes the amino acid at residue 865 from Alanine to Aspartic acid. This variant has been reported in the published literature (PMID:22795478). It is absent or not present at a significant frequency in gnomAD. In silico models predict that this variant is possibly or probably damaging. In conclusion, we classify ABCB11 p.Ala865Asp (c.2594C>A) as a variant of uncertain significance.

Literature cited by the submitters: PubMed 22795478.